The following is an entry in ClinVar:

NM_001134407.3(GRIN2A):c.*9325G>C

Gene: GRIN2A (glutamate ionotropic receptor NMDA type subunit 2A; minus strand). Cytogenetic location: 16p13.2.
Variant type: single nucleotide variant.
Coding change: c.*9325G>C on transcript NM_001134407.3 (MANE Select); 9325 bases downstream of the stop codon, G replaced by C.
Molecular consequence: 3 prime UTR variant.
Genome position (GRCh38, 1-based): chr16:9,753,824, C>G on the plus strand (G>C on the coding strand, the complement: GRIN2A is on the minus strand). VCF-style: chr16-9753824-C-G. GRCh37 (hg19) VCF-style: chr16-9847681-C-G.
Other names: c.*9325G>C (NM_000833.5); c.*9531G>C (NM_001134408.2).
Identifiers: ClinVar variation 321461 (VCV000321461.5), dbSNP rs117836220, ClinGen allele CA10638714.

ClinVar aggregate classification (germline): Benign (1 of 4 stars; one submission).

Conditions:
Landau-Kleffner syndrome (FESD). Also called: EPILEPSY, FOCAL, WITH SPEECH DISORDER AND WITH OR WITHOUT MENTAL RETARDATION; APHASIA, ACQUIRED, WITH EPILEPSY. Identifiers: Orphanet 1945, Orphanet 725, Orphanet 98818, MedGen C0282512, MONDO:0009509, OMIM 245570.

Allele frequency attached by ClinVar (database versions not stated): TOPMed 0.00066; 1000 Genomes Project 0.00280; gnomAD exomes 0.00536; 1000 Genomes Project 30x 0.00203.
gnomAD v4.1: 207 of 180,624 alleles (0.11%); highest among the groups gnomAD compares: East Asian, 1.8%; 3 homozygotes.

Submission:

Illumina Laboratory Services, Illumina
Classification: Benign for Landau-Kleffner syndrome. Last evaluated: 2018-01-13. Review status: criteria provided, single submitter. Criteria: ICSL Variant Classification Criteria 13 December 2019. Collection method: clinical testing. Allele origin: germline.
Comment: This variant was observed in the ICSL laboratory as part of a predisposition screen in an ostensibly healthy population. It had not been previously curated by ICSL or reported in the Human Gene Mutation Database (HGMD: prior to June 1st, 2018), and was therefore a candidate for classification through an automated scoring system. Utilizing variant allele frequency, disease prevalence and penetrance estimates, and inheritance mode, an automated score was calculated to assess if this variant is too frequent to cause the disease. Based on the score and internal cut-off values, a variant classified as benign is not then subjected to further curation. The score for this variant resulted in a classification of benign for this disease.